The following is an entry in ClinVar:

ClinVar aggregate classification (germline): Uncertain significance (1 of 4 stars; one submission).

Conditions:
LRP2-related disorder. Also called: LRP2-related condition.

gnomAD v4.1: 40 of 1,613,872 alleles (0.0025%); highest among the groups gnomAD compares: South Asian, 0.03%; no homozygotes.

Submission:

PreventionGenetics, part of Exact Sciences
Classification: Uncertain significance for LRP2-related condition. Last evaluated: 2025-02-12. Review status: criteria provided, single submitter. Criteria: ACMG Guidelines, 2015. Collection method: clinical testing. Allele origin: germline.
Comment: The LRP2 c.1177G>A variant is predicted to result in the amino acid substitution p.Glu393Lys. To our knowledge, this variant has not been reported in the literature. This variant is reported in 0.039% of alleles in individuals of South Asian descent in gnomAD. At this time, the clinical significance of this variant is uncertain due to the absence of conclusive functional and genetic evidence.

NM_004525.3(LRP2):c.1177G>A (p.Glu393Lys)

Gene: LRP2 (LDL receptor related protein 2; minus strand). Cytogenetic location: 2q31.1.
Variant type: single nucleotide variant.
Coding change: c.1177G>A on transcript NM_004525.3 (MANE Select); coding-DNA position 1177, G replaced by A.
Protein change: p.Glu393Lys; replaces glutamic acid 393 with lysine.
Molecular consequence: missense variant.
Genome position (GRCh38, 1-based): chr2:169,280,514, C>T on the plus strand (G>A on the coding strand, the complement: LRP2 is on the minus strand). VCF-style: chr2-169280514-C-T. GRCh37 (hg19) VCF-style: chr2-170137024-C-T.
Other names: short protein forms E393K.
Identifiers: ClinVar variation 4989303 (VCV004989303.1).